The following is an entry in ClinVar:

NM_001347721.2(DYRK1A):c.1823A>T (p.His608Leu)

Gene: DYRK1A (dual specificity tyrosine phosphorylation regulated kinase 1A; plus strand). Cytogenetic location: 21q22.13.
Variant type: single nucleotide variant.
Coding change: c.1823A>T on transcript NM_001347721.2 (MANE Select); coding-DNA position 1823, A replaced by T.
Protein change: p.His608Leu; replaces histidine 608 with leucine.
Molecular consequence: missense variant. On other transcripts: 3 prime UTR variant (2).
Genome position (GRCh38, 1-based): chr21:37,512,089, A>T. VCF-style: chr21-37512089-A-T. GRCh37 (hg19) VCF-style: chr21-38884392-A-T.
Other names: c.1850A>T (NM_001396.4, NM_001396.3); c.1823A>T, p.His608Leu (NM_001347722.2, NM_130436.2); c.1736A>T, p.His579Leu (NM_001347723.2); c.1850A>T, p.His617Leu (NM_001396.5); c.*226A>T (NM_101395.2); c.*135A>T (NM_130438.2); short protein forms H608L, H617L, H579L.
Identifiers: ClinVar variation 1436536 (VCV001436536.12), dbSNP rs1212700979, ClinGen allele CA409939671.

ClinVar aggregate classification (germline): Conflicting classifications of pathogenicity. Review status: criteria provided, conflicting classifications (1 of 4 stars). 5 submissions from 5 submitters: Uncertain significance (3); Likely benign (2). Last evaluated 2026-07-02.

Conditions:
Inborn genetic diseases. Identifiers: MedGen C0950123, MeSH D030342.
DYRK1A-related intellectual disability syndrome (MRD7). Also called: DYRK1A Syndrome; Intellectual developmental disorder, autosomal dominant 7. Identifiers: Orphanet 464306, MedGen C5568143, MONDO:0013578, OMIM 614104.

Allele frequency attached by ClinVar (database versions not stated): gnomAD exomes below 0.00001 and 0.00001; TOPMed below 0.00001.
gnomAD v4.1: 5 of 1,614,020 alleles (0.00031%); highest among the groups gnomAD compares: East Asian, 0.0067%; no homozygotes.

Submissions (5):

Ambry Genetics
Classification: Uncertain significance for Inborn genetic diseases. Last evaluated: 2026-07-02. Review status: criteria provided, single submitter. Criteria: Ambry Variant Classification Scheme 2023. Collection method: clinical testing. Allele origin: germline.
Comment: The c.1850A>T (p.H617L) alteration is located in exon 11 (coding exon 11) of the DYRK1A gene. This alteration results from a A to T substitution at nucleotide position 1850, causing the histidine (H) at amino acid position 617 to be replaced by a leucine (L). Based on data from gnomAD, the T allele has an overall frequency of <0.001% (1/251304) total alleles studied. The highest observed frequency was 0.003% (1/34564) of Latino alleles. Based on insufficient or conflicting evidence, the clinical significance of this alteration remains unclear.

Labcorp Genetics (formerly Invitae), Labcorp
Classification: Likely benign for DYRK1A-related intellectual disability syndrome. Last evaluated: 2025-12-30. Review status: criteria provided, single submitter. Criteria: Invitae Variant Classification Sherloc (09022015). Collection method: clinical testing. Allele origin: germline.

Blueprint Genetics
Classification: Likely benign. Last evaluated: 2024-08-11. Review status: criteria provided, single submitter. Criteria: ACMG Guidelines, 2015. Collection method: clinical testing. Allele origin: germline.

Revvity Omics, Revvity
Classification: Uncertain significance for DYRK1A-related intellectual disability syndrome. Last evaluated: 2023-11-07. Review status: criteria provided, single submitter. Criteria: ACMG Guidelines, 2015. Collection method: clinical testing. Allele origin: germline.

Breakthrough Genomics
Classification: Uncertain significance. Review status: criteria provided, single submitter. Criteria: ACMG Guidelines, 2015. Collection method: not provided. Allele origin: germline. Inheritance: Autosomal dominant inheritance. Affected: yes.